The following is an entry in ClinVar:

ClinVar aggregate classification (germline): Uncertain significance (1 of 4 stars; one submission).

Conditions:
Autosomal recessive limb-girdle muscular dystrophy. Identifiers: Orphanet 102015, MedGen C2931907, MONDO:0015152.

Submission:

Myriad Genetics, Inc.
Classification: Uncertain significance for Autosomal recessive limb-girdle muscular dystrophy. Last evaluated: 2025-09-30. Review status: criteria provided, single submitter. Criteria: Myriad Autosomal Dominant, Autosomal Recessive and X-Linked Classification Criteria (2023). Collection method: clinical testing. Allele origin: unknown.
Comment: NM_003494.3(DYSF):c.3130C>A(R1044S) is a missense variant classified as a variant of uncertain significance in the context of dysferlinopathy. R1044S has been observed in a case with relevant disease (PMID: 17070050). Relevant functional assessments of this variant are not available in the literature. R1044S has not been observed in referenced population frequency databases. In summary, there is insufficient evidence to classify NM_003494.3(DYSF):c.3130C>A(R1044S) as pathogenic or benign. Please note: this variant was assessed in the context of healthy population screening.

Literature cited by the submitters: PubMed 17070050.

NM_001130987.2(DYSF):c.3184C>A (p.Arg1062Ser)

Gene: DYSF (dysferlin; plus strand). Cytogenetic location: 2p13.2.
Variant type: single nucleotide variant.
Coding change: c.3184C>A on transcript NM_001130987.2 (MANE Select); coding-DNA position 3184, C replaced by A.
Protein change: p.Arg1062Ser; replaces arginine 1062 with serine.
Molecular consequence: missense variant.
Genome position (GRCh38, 1-based): chr2:71,570,697, C>A. VCF-style: chr2-71570697-C-A. GRCh37 (hg19) VCF-style: chr2-71797827-C-A.
Other names: c.3133C>A, p.Arg1045Ser (NM_001130455.2, NM_001130983.2); c.3088C>A, p.Arg1030Ser (NM_001130976.2, NM_001130977.2); c.3130C>A, p.Arg1044Ser (NM_001130978.2, NM_003494.4); c.3223C>A, p.Arg1075Ser (NM_001130979.2); c.3181C>A, p.Arg1061Ser (NM_001130980.2, NM_001130981.2); c.3226C>A, p.Arg1076Ser (NM_001130982.2); c.3091C>A, p.Arg1031Ser (NM_001130984.2, NM_001130986.2); c.3184C>A, p.Arg1062Ser (NM_001130985.2); short protein forms R1030S, R1031S, R1075S, R1044S, R1076S, R1045S, R1061S, R1062S.
Identifiers: ClinVar variation 5003247 (VCV005003247.1).